The following is an entry in ClinVar:

ClinVar aggregate classification (germline): Uncertain significance (1 of 4 stars; one submission).

Conditions:
Adenylosuccinate lyase deficiency (ADSLD). Also called: ADSL DEFICIENCY. Identifiers: Orphanet 46, MedGen C0268126, MONDO:0007068, OMIM 103050.

Submission:

Labcorp Genetics (formerly Invitae), Labcorp
Classification: Uncertain significance for Adenylosuccinate lyase deficiency. Last evaluated: 2021-04-10. Review status: criteria provided, single submitter. Criteria: Invitae Variant Classification Sherloc (09022015). Collection method: clinical testing. Allele origin: germline.
Comment: In summary, the available evidence is currently insufficient to determine the role of this variant in disease. Therefore, it has been classified as a Variant of Uncertain Significance. Experimental studies and prediction algorithms are not available or were not evaluated, and the functional significance of this variant is currently unknown. This variant has not been reported in the literature in individuals with ADSL-related conditions. The frequency data for this variant in the population databases is considered unreliable, as metrics indicate insufficient coverage at this position in the ExAC database. This variant occurs in a non-coding region of the ADSL gene. It does not change the encoded amino acid sequence of the ADSL protein.

NC_000022.11:g.40345993C>T

Gene: ADSL (adenylosuccinate lyase; plus strand). Cytogenetic location: 22q13.1.
Variant type: single nucleotide variant.
Genome position: GRCh38 VCF-style: chr22-40345993-C-T. GRCh37 (hg19) VCF-style: chr22-40741997-C-T.
Identifiers: ClinVar variation 1525183 (VCV001525183.6), dbSNP rs2146609240, ClinGen allele CA2573158341.
Genomic context (GRCh38, chr22:40,345,993, plus strand): 5'-TGGGGGCGCAGTAAATGCCGATTTCCCTTGGGTATCTTCATTTCTCCTTAGAGCCGAGCT[C>T]GGTGCGCCGCGGGCAGGAGTGGGTGGGGCGACAGTAATAAGAGTAACAGCAAGCGTACAC-3'